The following is an entry in ClinVar:

ClinVar aggregate classification (germline): Likely pathogenic (1 of 4 stars; one submission).

Submission:

GeneDx
Classification: Likely pathogenic. Last evaluated: 2017-10-18. Review status: criteria provided, single submitter. Criteria: GeneDx Variant Classification (06012015). Collection method: clinical testing. Allele origin: germline. Affected: yes.
Comment: The c.1297_1298delAA variant in the PPM1D gene has not been reported previously as a pathogenic variant nor as a benign variant, to our knowledge. The c.1297_1298delAA variant causes a frameshift starting with codon Lysine 433, changes this amino acid to a Glycine residue, and creates a premature Stop codon at position 9 of the new reading frame, denoted p.Lys433GlyfsX9. This variant is predicted to cause loss of normal protein function either through protein truncation or nonsense-mediated mRNA decay. The c.1297_1298delAA variant is not observed in large population cohorts (Lek et al., 2016). We interpret c.1297_1298delAA as a likely pathogenic variant,

NM_003620.4(PPM1D):c.1297_1298del (p.Lys433fs)

Gene: PPM1D (protein phosphatase, Mg2+/Mn2+ dependent 1D; plus strand). Cytogenetic location: 17q23.2.
Variant type: Deletion.
Coding change: c.1297_1298del on transcript NM_003620.4 (MANE Select); coding-DNA positions 1297 to 1298, 2 bases deleted (AA; older notation c.1297_1298delAA).
Protein change: p.Lys433fs; shifts the reading frame from lysine 433.
Molecular consequence: frameshift variant.
Genome position (GRCh38, 1-based): chr17:60,663,031-60,663,032, AA deleted. VCF-style (leftmost placement, unchanged base first): chr17-60663030-TAA-T. GRCh37 (hg19) VCF-style: chr17-58740391-TAA-T.
Other names: c.1297_1298delAA (NM_003620.3); short protein forms K433fs.
Identifiers: ClinVar variation 452930 (VCV000452930.2), dbSNP rs1555649011, ClinGen allele CA658658635.